The following is an entry in ClinVar:

NM_000038.6(APC):c.3152G>C (p.Arg1051Thr)

Gene: APC (APC regulator of Wnt signaling pathway; plus strand). Cytogenetic location: 5q22.2.
Variant type: single nucleotide variant.
Coding change: c.3152G>C on transcript NM_000038.6 (MANE Select); coding-DNA position 3152, G replaced by C.
Protein change: p.Arg1051Thr; replaces arginine 1051 with threonine.
Molecular consequence: missense variant.
Genome position (GRCh38, 1-based): chr5:112,838,746, G>C. VCF-style: chr5-112838746-G-C. GRCh37 (hg19) VCF-style: chr5-112174443-G-C.
Other names: c.3152G>C, p.Arg1051Thr (NM_001127510.3, NM_001354895.2); c.3098G>C, p.Arg1033Thr (NM_001127511.3); c.3206G>C, p.Arg1069Thr (NM_001354896.2); c.3182G>C, p.Arg1061Thr (NM_001354897.2); c.3077G>C, p.Arg1026Thr (NM_001354898.2); c.3068G>C, p.Arg1023Thr (NM_001354899.2); c.3029G>C, p.Arg1010Thr (NM_001354900.2); c.2975G>C, p.Arg992Thr (NM_001354901.2); and 5 more; short protein forms R1033T, R1051T, R1026T, R768T, R891T, R992T, R1069T, R960T.
Identifiers: ClinVar variation 489436 (VCV000489436.10), dbSNP rs1554084748, ClinGen allele CA16028239.

ClinVar aggregate classification (germline): Uncertain significance. Review status: criteria provided, multiple submitters, no conflicts (2 of 4 stars). 2 submissions from 2 submitters: Uncertain significance (2). Last evaluated 2024-09-12.

Conditions:
Hereditary cancer-predisposing syndrome. Also called: Hereditary Cancer Syndrome; Neoplastic Syndromes, Hereditary; Tumor predisposition; Hereditary neoplastic syndrome. Identifiers: Orphanet 140162, MedGen C0027672, MeSH D009386, MONDO:0015356.

Submissions (2):

Ambry Genetics
Classification: Uncertain significance for Hereditary cancer-predisposing syndrome. Last evaluated: 2024-09-12. Review status: criteria provided, single submitter. Criteria: Ambry Variant Classification Scheme 2023. Collection method: clinical testing. Allele origin: germline.
Comment: The p.R1051T variant (also known as c.3152G>C), located in coding exon 15 of the APC gene, results from a G to C substitution at nucleotide position 3152. The arginine at codon 1051 is replaced by threonine, an amino acid with similar properties. This amino acid position is highly conserved in available vertebrate species. In addition, in silico predictors for this gene do not accurately predict pathogenicity. Missense alterations in APC are not a common cause of disease (Spier I et al. Genet Med. 2024 Feb;26(2):100992). Based on the available evidence, the clinical significance of this variant remains unclear.

Color Diagnostics, LLC DBA Color Health
Classification: Uncertain significance for Hereditary cancer-predisposing syndrome. Last evaluated: 2024-03-06. Review status: criteria provided, single submitter. Criteria: ACMG Guidelines, 2015. Collection method: clinical testing. Allele origin: germline.
Comment: This missense variant replaces arginine with threonine at codon 1051 of the APC protein. Computational prediction suggests that this variant may not impact protein structure and function (internally defined REVEL score threshold <= 0.5, PMID: 27666373). Splice site prediction tools suggest that this variant may not impact RNA splicing. To our knowledge, functional studies have not been performed for this variant. This variant has not been reported in individuals affected with hereditary cancer in the literature. This variant has not been identified in the general population by the Genome Aggregation Database (gnomAD). The available evidence is insufficient to determine the role of this variant in disease conclusively. Therefore, this variant is classified as a Variant of Uncertain Significance.